The following is an entry in ClinVar:

NM_024721.5(ZFHX4):c.3726G>T (p.Val1242=)

Gene: ZFHX4 (zinc finger homeobox 4; plus strand). Cytogenetic location: 8q21.13.
Variant type: single nucleotide variant.
Coding change: c.3726G>T on transcript NM_024721.5 (MANE Select); coding-DNA position 3726, G replaced by T.
Protein change: p.Val1242=; no amino-acid change (valine 1242 retained).
Molecular consequence: synonymous variant.
Genome position (GRCh38, 1-based): chr8:76,849,592, G>T. VCF-style: chr8-76849592-G-T. GRCh37 (hg19) VCF-style: chr8-77761828-G-T.
Other names: c.3648G>T, p.Val1216= (NM_001410934.1); c.3726G>T (NM_024721.4).
Identifiers: ClinVar variation 2658663 (VCV002658663.26), dbSNP rs376628513, ClinGen allele CA4787348.
Genomic context (GRCh38, chr8:76,849,592, plus strand): 5'-TAACTACAATAGTAGGGACCAAAGTCGTATCCAGATGCACGTCCTATCACAGCACTCGGT[G>T]CAGCCGGTCATCTGCTGTCCTCTCTGTCAGGACGTCCTCAGCAACAAAATGCATCTCCAA-3'
Protein context (NP_078997.4, residues 1232-1252): IQMHVLSQHS[Val1242=]QPVICCPLCQ

ClinVar aggregate classification (germline): Benign/Likely benign. Review status: criteria provided, multiple submitters, no conflicts (2 of 4 stars). 3 submissions from 3 submitters: Benign (1); Likely benign (1). 1 of the submissions does not count toward it. Last evaluated 2024-07-15.

Conditions:
ZFHX4-related disorder. Also called: ZFHX4-related condition.

Allele frequency attached by ClinVar (database versions not stated): gnomAD exomes 0.00010; ExAC 0.00031; gnomAD 0.00118; TOPMed 0.00137; ESP Exome Variant Server 0.00168; 1000 Genomes Project 0.00080; 1000 Genomes Project 30x 0.00109.
gnomAD v4.1: 358 of 1,613,970 alleles (0.022%); highest among the groups gnomAD compares: African/African-American, 0.37%; 2 homozygotes.

Submissions (3):

Blueprint Genetics
Classification: Likely benign. Last evaluated: 2024-07-15. Review status: criteria provided, single submitter. Criteria: ACMG Guidelines, 2015. Collection method: clinical testing. Allele origin: germline.

CeGaT Center for Human Genetics Tuebingen
Classification: Benign. Last evaluated: 2022-05-01. Review status: criteria provided, single submitter. Criteria: CeGaT Center For Human Genetics Tuebingen Variant Classification Criteria Version 2. Collection method: clinical testing. Allele origin: germline. Affected: yes. Observed: 1 variant allele.
Comment: ZFHX4: BS1, BS2

PreventionGenetics, part of Exact Sciences
Classification: Likely benign for ZFHX4-related condition. Last evaluated: 2019-03-12. Review status: no assertion criteria provided. Collection method: clinical testing. Allele origin: germline. Not counted in ClinVar's aggregate classification.
Comment: This variant is classified as likely benign based on ACMG/AMP sequence variant interpretation guidelines (Richards et al. 2015 PMID: 25741868, with internal and published modifications).